The following is an entry in ClinVar:

NM_015909.4(NBAS):c.5536_5537del (p.Leu1846fs)

Gene: NBAS (NBAS subunit of NRZ tethering complex; minus strand). Cytogenetic location: 2p24.3.
Variant type: Microsatellite.
Coding change: c.5536_5537del on transcript NM_015909.4 (MANE Select); coding-DNA positions 5536 to 5537, 2 bases deleted (CT; older notation c.5536_5537delCT).
Protein change: p.Leu1846fs; shifts the reading frame from leucine 1846.
Molecular consequence: frameshift variant. On other transcripts: non-coding transcript variant (1).
Genome position (GRCh38, 1-based): chr2:15,275,671-15,275,672, AG deleted on the plus strand (CT on the coding strand, the reverse complement: NBAS is on the minus strand); deleting any 2 consecutive bases within chr2:15,275,671-15,275,676 gives the same sequence; the c. name uses the placement nearest the transcript's 3' end. VCF-style (leftmost placement, unchanged base first): chr2-15275670-CAG-C. GRCh37 (hg19) VCF-style: chr2-15415794-CAG-C.
Other names: short protein forms L1846fs.
Identifiers: ClinVar variation 2872736 (VCV002872736.3), dbSNP rs2528115827, ClinGen allele CA2739274128.

ClinVar aggregate classification (germline): Pathogenic (1 of 4 stars; one submission).

Submission:

Labcorp Genetics (formerly Invitae), Labcorp
Classification: Pathogenic. Last evaluated: 2022-11-23. Review status: criteria provided, single submitter. Criteria: Invitae Variant Classification Sherloc (09022015). Collection method: clinical testing. Allele origin: germline.
Comment: For these reasons, this variant has been classified as Pathogenic. This variant has not been reported in the literature in individuals affected with NBAS-related conditions. This variant is not present in population databases (gnomAD no frequency). This sequence change creates a premature translational stop signal (p.Leu1846Valfs*18) in the NBAS gene. It is expected to result in an absent or disrupted protein product. Loss-of-function variants in NBAS are known to be pathogenic (PMID: 26073778, 26541327, 27789416, 28031453).

Literature cited by the submitters: PubMed 26073778; PubMed 26541327; PubMed 27789416; PubMed 28031453.